The following is an entry in ClinVar:

ClinVar aggregate classification (germline): Likely benign. Review status: criteria provided, multiple submitters, no conflicts (2 of 4 stars). 2 submissions from 2 submitters: Likely benign (2). Last evaluated 2023-03-08.

Conditions:
Malignant hyperthermia, susceptibility to, 5 (MHS5). Also called: CACNA1S-Related Malignant Hyperthermia Susceptibility. Identifiers: Orphanet 423, MedGen C1866077, MONDO:0011163, OMIM 601887.
Hypokalemic periodic paralysis, type 1. Also called: Hypokalemic Periodic Paralysis Type 1 (AD); HypoPP. Identifiers: Orphanet 681, MedGen C3714580, MONDO:0042979, OMIM 170400.

Allele frequency attached by ClinVar (database versions not stated): ExAC 0.00001.
gnomAD v4.1: 3 of 1,614,106 alleles (0.00019%); highest among the groups gnomAD compares: Non-Finnish European, 0.00025%; no homozygotes.

Submissions (2):

Labcorp Genetics (formerly Invitae), Labcorp
Classification: Likely benign for Hypokalemic periodic paralysis, type 1; Malignant hyperthermia, susceptibility to, 5. Last evaluated: 2023-03-08. Review status: criteria provided, single submitter. Criteria: Invitae Variant Classification Sherloc (09022015). Collection method: clinical testing. Allele origin: germline.

All of Us Research Program, National Institutes of Health
Classification: Likely benign for Malignant hyperthermia, susceptibility to, 5. Last evaluated: 2023-02-24. Review status: criteria provided, single submitter. Criteria: ACMG Guidelines, 2015. Collection method: clinical testing. Allele origin: germline. Inheritance: Autosomal dominant inheritance. Observed: 2 variant alleles, 2 heterozygotes.
Comment: This study involves interpretation of variants in research participants for the purpose of population health screening. Participant phenotype was not available at the time of variant classification. Additional details can be found in publication PMID: 35346344, PMCID: PMC8962531

NM_000069.3(CACNA1S):c.606G>C (p.Leu202=)

Gene: CACNA1S (calcium voltage-gated channel subunit alpha1 S; minus strand). Cytogenetic location: 1q32.1.
Variant type: single nucleotide variant.
Coding change: c.606G>C on transcript NM_000069.3 (MANE Select); coding-DNA position 606, G replaced by C.
Protein change: p.Leu202=; no amino-acid change (leucine 202 retained).
Molecular consequence: synonymous variant.
Genome position (GRCh38, 1-based): chr1:201,091,728, C>G on the plus strand (G>C on the coding strand, the complement: CACNA1S is on the minus strand). VCF-style: chr1-201091728-C-G. GRCh37 (hg19) VCF-style: chr1-201060856-C-G.
Identifiers: ClinVar variation 2929652 (VCV002929652.4), dbSNP rs765114075, ClinGen allele CA083923.